The following is an entry in ClinVar:

ClinVar aggregate classification (germline): Uncertain significance. Review status: criteria provided, multiple submitters, no conflicts (2 of 4 stars). 7 submissions from 3 submitters: Uncertain significance (7). Last evaluated 2023-04-11.

Conditions:
Hereditary cryohydrocytosis with reduced stomatin. Also called: GLUT1 DEFICIENCY SYNDROME WITH PSEUDOHYPERKALEMIA AND HEMOLYSIS; Stomatin-deficient cryohydrocytosis with neurologic defects. Identifiers: Orphanet 168577, MedGen C1837206, MONDO:0012143, OMIM 608885.
Epilepsy, idiopathic generalized, susceptibility to, 12 (EIG12). Identifiers: MedGen C3553859, MONDO:0013919, OMIM 614847.
Dystonia 9 (DYT9). Also called: CHOREOATHETOSIS, KINESIGENIC, WITH EPISODIC ATAXIA AND SPASTICITY. Identifiers: Orphanet 53583, MedGen C1832855, MONDO:0010983, OMIM 601042.
Encephalopathy due to GLUT1 deficiency. Also called: Glucose transporter protein syndrome; GLUT1 deficiency syndrome 1, infantile onset, severe; De Vivo disease; GLUT1 deficiency syndrome 1; Classic Glucose Transporter Type 1 Deficiency Syndrome; GLUCOSE TRANSPORT DEFECT, BLOOD-BRAIN BARRIER. Identifiers: Orphanet 71277, MedGen C4551966, MONDO:0011724, OMIM 606777.
GLUT1 deficiency syndrome 1, autosomal recessive. Identifiers: MedGen C3149117.
Childhood onset GLUT1 deficiency syndrome 2. Also called: GLUT1 deficiency syndrome 2; PxMD-SLC2A1; Paroxysmal exercise-induced dystonia; Exertion-induced paroxysmal dyskinesia; PAROXYSMAL EXERCISE-INDUCED DYSKINESIA WITH OR WITHOUT EPILEPSY AND/OR HEMOLYTIC ANEMIA; PAROXYSMAL EXERTION-INDUCED DYSTONIA WITH OR WITHOUT EPILEPSY AND/OR HEMOLYTIC ANEMIA. Identifiers: Orphanet 98811, MedGen C1842534, MONDO:0012805, OMIM 612126.

Submissions (7):

Genome-Nilou Lab
Classification: Uncertain significance for Epilepsy, idiopathic generalized, susceptibility to, 12. Last evaluated: 2023-04-11. Review status: criteria provided, single submitter. Criteria: ACMG Guidelines, 2015. Collection method: clinical testing. Allele origin: germline. Affected: no.

Genome-Nilou Lab
Classification: Uncertain significance for Dystonia 9. Last evaluated: 2023-04-11. Review status: criteria provided, single submitter. Criteria: ACMG Guidelines, 2015. Collection method: clinical testing. Allele origin: germline. Affected: no.

Genome-Nilou Lab
Classification: Uncertain significance for Encephalopathy due to GLUT1 deficiency. Last evaluated: 2023-04-11. Review status: criteria provided, single submitter. Criteria: ACMG Guidelines, 2015. Collection method: clinical testing. Allele origin: germline. Affected: no.

Genome-Nilou Lab
Classification: Uncertain significance for Childhood onset GLUT1 deficiency syndrome 2. Last evaluated: 2023-04-11. Review status: criteria provided, single submitter. Criteria: ACMG Guidelines, 2015. Collection method: clinical testing. Allele origin: germline. Affected: no.

Genome-Nilou Lab
Classification: Uncertain significance for Hereditary cryohydrocytosis with reduced stomatin. Last evaluated: 2023-04-11. Review status: criteria provided, single submitter. Criteria: ACMG Guidelines, 2015. Collection method: clinical testing. Allele origin: germline. Affected: no.

Labcorp Genetics (formerly Invitae), Labcorp
Classification: Uncertain significance for GLUT1 deficiency syndrome 1, autosomal recessive. Last evaluated: 2022-08-03. Review status: criteria provided, single submitter. Criteria: Invitae Variant Classification Sherloc (09022015). Collection method: clinical testing. Allele origin: germline.
Comment: This sequence change replaces valine, which is neutral and non-polar, with methionine, which is neutral and non-polar, at codon 147 of the SLC2A1 protein (p.Val147Met). This variant is not present in population databases (gnomAD no frequency). This variant has not been reported in the literature in individuals affected with SLC2A1-related conditions. ClinVar contains an entry for this variant (Variation ID: 1314217). Advanced modeling of protein sequence and biophysical properties (such as structural, functional, and spatial information, amino acid conservation, physicochemical variation, residue mobility, and thermodynamic stability) performed at Invitae indicates that this missense variant is expected to disrupt SLC2A1 protein function. In summary, the available evidence is currently insufficient to determine the role of this variant in disease. Therefore, it has been classified as a Variant of Uncertain Significance.

GeneDx
Classification: Uncertain significance. Last evaluated: 2021-03-24. Review status: criteria provided, single submitter. Criteria: GeneDx Variant Classification Process June 2021. Collection method: clinical testing. Allele origin: germline. Affected: yes.
Comment: Not observed in large population cohorts (Lek et al., 2016); In silico analysis supports that this missense variant does not alter protein structure/function; Has not been previously published as pathogenic or benign to our knowledge

NM_006516.4(SLC2A1):c.439G>A (p.Val147Met)

Gene: SLC2A1 (solute carrier family 2 member 1; minus strand). Cytogenetic location: 1p34.2.
Variant type: single nucleotide variant.
Coding change: c.439G>A on transcript NM_006516.4 (MANE Select); coding-DNA position 439, G replaced by A.
Protein change: p.Val147Met; replaces valine 147 with methionine.
Molecular consequence: missense variant.
Genome position (GRCh38, 1-based): chr1:42,930,703, C>T on the plus strand (G>A on the coding strand, the complement: SLC2A1 is on the minus strand). VCF-style: chr1-42930703-C-T. GRCh37 (hg19) VCF-style: chr1-43396374-C-T.
Other names: short protein forms V147M.
Identifiers: ClinVar variation 1314217 (VCV001314217.8), dbSNP rs760130033, ClinGen allele CA339960651.